The following is an entry in ClinVar:

NM_000070.3(CAPN3):c.2387T>C (p.Phe796Ser)

Gene: CAPN3 (calpain 3; plus strand). Cytogenetic location: 15q15.1.
Variant type: single nucleotide variant.
Coding change: c.2387T>C on transcript NM_000070.3 (MANE Select); coding-DNA position 2387, T replaced by C.
Protein change: p.Phe796Ser; replaces phenylalanine 796 with serine.
Molecular consequence: missense variant.
Genome position (GRCh38, 1-based): chr15:42,411,293, T>C. VCF-style: chr15-42411293-T-C. GRCh37 (hg19) VCF-style: chr15-42703491-T-C.
Other names: c.2369T>C, p.Phe790Ser (NM_024344.2); c.2111T>C, p.Phe704Ser (NM_173087.2); c.851T>C, p.Phe284Ser (NM_173088.2); c.392T>C, p.Phe131Ser (NM_173089.2, NM_173090.2); c.*1485T>C (NM_212464.2); c.*2062T>C (NM_212467.2); short protein forms F790S, F131S, F284S, F704S, F796S.
Identifiers: ClinVar variation 2585364 (VCV002585364.2), dbSNP rs2548295609, ClinGen allele CA392002240.

ClinVar aggregate classification (germline): Uncertain significance. Review status: criteria provided, multiple submitters, no conflicts (2 of 4 stars). 2 submissions from 2 submitters: Uncertain significance (2). Last evaluated 2024-11-15.

Conditions:
Autosomal recessive limb-girdle muscular dystrophy type 2A (LGMDR1). Also called: Limb-girdle muscular dystrophy, type 2A; Muscular dystrophy, limb-girdle, type 2A, Amish; Calpainopathy; LEYDEN-MOEBIUS MUSCULAR DYSTROPHY; MUSCULAR DYSTROPHY, PELVOFEMORAL. Identifiers: Orphanet 267, MedGen C1869123, MONDO:0009675, OMIM 253600. Disease mechanism: loss of function.

Submissions (2):

Women's Health and Genetics/Laboratory Corporation of America, LabCorp
Classification: Uncertain significance. Last evaluated: 2024-11-15. Review status: criteria provided, single submitter. Criteria: LabCorp Variant Classification Summary - May 2015. Collection method: clinical testing. Allele origin: germline.
Comment: Variant summary: CAPN3 c.2387T>C (p.Phe796Ser) results in a non-conservative amino acid change in the encoded protein sequence. Five of five in-silico tools predict a damaging effect of the variant on protein function. The variant was absent in 251406 control chromosomes. The available data on variant occurrences in the general population are insufficient to allow any conclusion about variant significance. c.2387T>C has been reported in the literature in at-least one individual affected with Muscular dystrophy and/or myopathy (example: Cavdarl_2023). These data do not allow any conclusion about variant significance. To our knowledge, no experimental evidence demonstrating an impact on protein function has been reported. The following publication has been ascertained in the context of this evaluation (PMID: 36575883). ClinVar contains an entry for this variant (Variation ID: 2585364). Based on the evidence outlined above, the variant was classified as uncertain significance.

Neuberg Centre For Genomic Medicine, NCGM
Classification: Uncertain significance for Autosomal recessive limb-girdle muscular dystrophy type 2A. Review status: criteria provided, single submitter. Criteria: ACMG Guidelines, 2015. Collection method: clinical testing. Allele origin: germline. Inheritance: Autosomal recessive inheritance. Affected: yes.
Comment: The missense variant in c.2387T>C (p.Phe796Ser) in CAPN3 gene has not been reported previously as a pathogenic variant nor as a benign variant, to our knowledge. The p.Phe796Ser variant is novel (not in any individuals) in gnomAD Exomes and 1000 Genomes. The amino acid Phe at position 796 is changed to a Ser changing protein sequence and it might alter its composition and physico-chemical properties. The variant is predicted to be damaging by both SIFT and PolyPhen2. The amino acid change p.Phe796Ser in CAPN3 is predicted as conserved by GERP++ and PhyloP across 100 vertebrates. For these reasons, this variant has been classified as Uncertain Significance (VUS).

Literature cited by the submitters: PubMed 36575883 (cited by Women's Health and Genetics/Laboratory Corporation of America, LabCorp).